The following is an entry in ClinVar:

NM_014363.6(SACS):c.12576dup (p.Ile4193fs)

Gene: SACS (sacsin molecular chaperone; minus strand). Cytogenetic location: 13q12.12.
Variant type: Duplication.
Coding change: c.12576dup on transcript NM_014363.6 (MANE Select); coding-DNA position 12576, one base duplicated (T; older notation c.12576dupT).
Protein change: p.Ile4193fs; shifts the reading frame from isoleucine 4193.
Molecular consequence: frameshift variant.
Genome position (GRCh38, 1-based): chr13:23,331,300, A duplicated on the plus strand (T on the coding strand, the reverse complement: SACS is on the minus strand). VCF-style (leftmost placement, unchanged base first): chr13-23331299-T-TA. GRCh37 (hg19) VCF-style: chr13-23905438-T-TA.
Other names: c.12135dup, p.Ile4046fs (NM_001278055.2); c.12603dup, p.Ile4202fs (NM_001437336.1); short protein forms I4046fs, I4193fs, I4202fs.
Identifiers: ClinVar variation 4815680 (VCV004815680.1).

ClinVar aggregate classification (germline): Likely pathogenic (1 of 4 stars; one submission).

Conditions:
Charlevoix-Saguenay spastic ataxia (SACS). Also called: AUTOSOMAL RECESSIVE SPASTIC ATAXIA OF CHARLEVOIX-SAGUENAY; Spastic ataxia of Charlevoix-Saguenay; SPASTIC ATAXIA 6, AUTOSOMAL RECESSIVE. Identifiers: Orphanet 98, MedGen C1849140, MONDO:0010041, OMIM 270550.

Submission:

Natera, Inc.
Classification: Likely pathogenic for Charlevoix-Saguenay type spastic ataxia. Last evaluated: 2024-12-17. Review status: criteria provided, single submitter. Criteria: Natera Variant Classification Schema (03/2026). Collection method: clinical testing. Allele origin: germline.
Comment: The c.12576dup variant in SACS is a frameshift variant predicted to shift the reading frame beginning at codon 4193 and leads to a stop codon 19 codons downstream. This variant is expected to result in nonsense mediated decay, truncation, or a dysfunctional protein product. This variant is rare in the general population with a frequency below the threshold expected for the associated phenotype(s). Given the available evidence, this variant is classified as Likely Pathogenic.